The following is an entry in ClinVar:

NM_000295.5(SERPINA1):c.607_608del (p.Asp203fs)

Gene: SERPINA1 (serpin family A member 1; minus strand). Cytogenetic location: 14q32.13.
Variant type: Microsatellite.
Coding change: c.607_608del on transcript NM_000295.5 (MANE Select); coding-DNA positions 607 to 608, 2 bases deleted (GA; older notation c.607_608delGA).
Protein change: p.Asp203fs; shifts the reading frame from aspartic acid 203.
Molecular consequence: frameshift variant.
Genome position (GRCh38, 1-based): chr14:94,382,630-94,382,631, TC deleted on the plus strand (GA on the coding strand, the reverse complement: SERPINA1 is on the minus strand); deleting any 2 consecutive bases within chr14:94,382,630-94,382,634 gives the same sequence; the c. name uses the placement nearest the transcript's 3' end. VCF-style (leftmost placement, unchanged base first): chr14-94382629-GTC-G. GRCh37 (hg19) VCF-style: chr14-94848966-GTC-G.
Other names: c.607_608del, p.Asp203fs (NM_001002235.3, NM_001002236.3, NM_001127700.2 and 7 more transcripts); short protein forms D203fs.
Identifiers: ClinVar variation 1074773 (VCV001074773.7), dbSNP rs2139691603, ClinGen allele CA2580612789.

ClinVar aggregate classification (germline): Pathogenic (1 of 4 stars; one submission).

Conditions:
Alpha-1-antitrypsin deficiency (A1ATD). Also called: AAT deficiency; A1AT deficiency; Alpha1-Antitrypsin Deficiency. Identifiers: Orphanet 60, MedGen C0221757, MONDO:0013282, OMIM 613490.

Submission:

Labcorp Genetics (formerly Invitae), Labcorp
Classification: Pathogenic for Alpha-1-antitrypsin deficiency. Last evaluated: 2023-07-25. Review status: criteria provided, single submitter. Criteria: Invitae Variant Classification Sherloc (09022015). Collection method: clinical testing. Allele origin: germline.
Comment: This variant is not present in population databases (gnomAD no frequency). This sequence change creates a premature translational stop signal (p.Asp203Hisfs*12) in the SERPINA1 gene. It is expected to result in an absent or disrupted protein product. Loss-of-function variants in SERPINA1 are known to be pathogenic (PMID: 25425243). This variant has not been reported in the literature in individuals affected with SERPINA1-related conditions. For these reasons, this variant has been classified as Pathogenic.

Literature cited by the submitters: PubMed 25425243.